The following is an entry in ClinVar:

NM_052859.4(RFT1):c.342TGT[1] (p.Val116del)

Gene: RFT1 (RFT1 glycolipid translocator homolog; minus strand). Cytogenetic location: 3p21.1.
Variant type: Microsatellite.
Coding change: c.342TGT[1] on transcript NM_052859.4 (MANE Select); one copy of the 3-base unit TGT starting at c.342; the reference has two copies in a row; one copy, 3 bases deleted; also written c.345_347del.
Protein change: p.Val116del; deletes valine 116.
Molecular consequence: inframe deletion.
Genome position (GRCh38, 1-based): chr3:53,122,483-53,122,485, ACA deleted on the plus strand (TGT on the coding strand, the reverse complement: RFT1 is on the minus strand); deleting any 3 consecutive bases within chr3:53,122,483-53,122,488 gives the same sequence; the position shown is the placement nearest the transcript's 3' end. VCF-style (leftmost placement, unchanged base first): chr3-53122482-GACA-G. GRCh37 (hg19) VCF-style: chr3-53156498-GACA-G.
Other names: c.345_347del (NM_052859.3); short protein forms V116del.
Identifiers: ClinVar variation 1449331 (VCV001449331.5), dbSNP rs779809846, ClinGen allele CA2451474.
Genomic context (GRCh38, chr3:53,122,482, plus strand): 5'-TCCTAGAAGCTCCACCACTGCCGAGAGACCAAACAGCACCACTCCAGTTGCATAGTGAGG[GACA>G]ACATTAGGATCAGGCACTTCAAGCAGCTGCAACCAGATCCAGCCCAGGAATAAGGACCAA-3'

ClinVar aggregate classification (germline): Uncertain significance. Review status: criteria provided, multiple submitters, no conflicts (2 of 4 stars). 2 submissions from 2 submitters: Uncertain significance (2). Last evaluated 2026-03-31.

Conditions:
RFT1-congenital disorder of glycosylation (CDG1N). Also called: CDG In; Congenital disorder of glycosylation type In; RFT1-CDG. Identifiers: Orphanet 244310, MedGen C2677590, MONDO:0012783, OMIM 612015.

Submissions (2):

GeneDx
Classification: Uncertain significance. Last evaluated: 2026-03-31. Review status: criteria provided, single submitter. Criteria: GeneDx Variant Classification Process June 2021. Collection method: clinical testing. Allele origin: germline.
Comment: Not observed at significant frequency in large population cohorts (gnomAD); In-frame deletion of 1 amino acid in a non-repeat region; In silico analysis supports a deleterious effect on protein structure/function; Has not been previously published as pathogenic or benign to our knowledge

Labcorp Genetics (formerly Invitae), Labcorp
Classification: Uncertain significance for RFT1-congenital disorder of glycosylation. Last evaluated: 2022-02-04. Review status: criteria provided, single submitter. Criteria: Invitae Variant Classification Sherloc (09022015). Collection method: clinical testing. Allele origin: germline.
Comment: This variant, c.345_347del, results in the deletion of 1 amino acid(s) of the RFT1 protein (p.Val116del), but otherwise preserves the integrity of the reading frame. This variant is present in population databases (rs779809846, gnomAD 0.01%). This variant has not been reported in the literature in individuals affected with RFT1-related conditions. Experimental studies and prediction algorithms are not available or were not evaluated, and the functional significance of this variant is currently unknown. In summary, the available evidence is currently insufficient to determine the role of this variant in disease. Therefore, it has been classified as a Variant of Uncertain Significance.